The following is an entry in ClinVar:

NM_000350.3(ABCA4):c.5714+1G>A

Gene: ABCA4 (ATP binding cassette subfamily A member 4; minus strand). Cytogenetic location: 1p22.1.
Variant type: single nucleotide variant.
Coding change: c.5714+1G>A on transcript NM_000350.3 (MANE Select); the canonical splice donor site of the intron after coding-DNA position 5714, G replaced by A.
Molecular consequence: splice donor variant.
Genome position (GRCh38, 1-based): chr1:94,010,799, C>T on the plus strand (G>A on the coding strand, the complement: ABCA4 is on the minus strand). VCF-style: chr1-94010799-C-T. GRCh37 (hg19) VCF-style: chr1-94476355-C-T.
Other names: c.5714+1G>A (NM_000350.2).
Identifiers: ClinVar variation 1456725 (VCV001456725.7), dbSNP rs1232476760, ClinGen allele CA341280688.

ClinVar aggregate classification (germline): Pathogenic. Review status: criteria provided, multiple submitters, no conflicts (2 of 4 stars). 2 submissions from 2 submitters: Pathogenic (2). Last evaluated 2024-02-26.

Conditions:
Cone-rod dystrophy 3 (CORD3). Identifiers: Orphanet 1872, MedGen C1858806, MONDO:0011395, OMIM 604116.
Age related macular degeneration 2. Also called: MACULOPATHY, AGE-RELATED; MACULAR DEGENERATION, SENILE; MACULOPATHY, AGE-RELATED, 2. Identifiers: MedGen C3495438, MONDO:0007932, OMIM 153800.
Severe early-childhood-onset retinal dystrophy (STGD1). Also called: STGD; Stargardt macular dystrophy; Juvenile onset macular degeneration; Stargardt disease 1; MACULAR DYSTROPHY WITH FLECKS, TYPE 1. Identifiers: Orphanet 364055, Orphanet 827, MedGen C1855465, MeSH D000080362, MONDO:0009549, OMIM 248200.
Retinitis pigmentosa 19 (RP19). Also called: ABCA4-Related Retinitis Pigmentosa. Identifiers: Orphanet 791, MedGen C1866422, MONDO:0011137, OMIM 601718.

Allele frequency attached by ClinVar (database versions not stated): gnomAD exomes below 0.00001.

Submissions (2):

Fulgent Genetics
Classification: Pathogenic for Age related macular degeneration 2; Severe early-childhood-onset retinal dystrophy; Retinitis pigmentosa 19; Cone-rod dystrophy 3. Last evaluated: 2024-02-26. Review status: criteria provided, single submitter. Criteria: ACMG Guidelines, 2015. Collection method: clinical testing. Allele origin: germline.

Labcorp Genetics (formerly Invitae), Labcorp
Classification: Pathogenic. Last evaluated: 2022-03-10. Review status: criteria provided, single submitter. Criteria: Invitae Variant Classification Sherloc (09022015). Collection method: clinical testing. Allele origin: germline.
Comment: For these reasons, this variant has been classified as Pathogenic. Algorithms developed to predict the effect of sequence changes on RNA splicing suggest that this variant may disrupt the consensus splice site. Disruption of this splice site has been observed in individual(s) with Stargardt disease (PMID: 32036094). This variant is present in population databases (no rsID available, gnomAD 0.006%). This sequence change affects a donor splice site in intron 40 of the ABCA4 gene. It is expected to disrupt RNA splicing. Variants that disrupt the donor or acceptor splice site typically lead to a loss of protein function (PMID: 16199547), and loss-of-function variants in ABCA4 are known to be pathogenic (PMID: 10958761, 24938718, 25312043, 26780318).

Literature cited by the submitters: PubMed 32036094 (cited by Labcorp Genetics (formerly Invitae), Labcorp); PubMed 16199547 (cited by Labcorp Genetics (formerly Invitae), Labcorp); PubMed 10958761 (cited by Labcorp Genetics (formerly Invitae), Labcorp); PubMed 24938718 (cited by Labcorp Genetics (formerly Invitae), Labcorp); PubMed 25312043 (cited by Labcorp Genetics (formerly Invitae), Labcorp); PubMed 26780318 (cited by Labcorp Genetics (formerly Invitae), Labcorp).